The following is an entry in ClinVar:

NM_019109.5(ALG1):c.1287T>A (p.Asp429Glu)

Genes: ALG1 (ALG1 chitobiosyldiphosphodolichol beta-mannosyltransferase; plus strand), EEF2KMT (eukaryotic elongation factor 2 lysine methyltransferase; minus strand). Cytogenetic location: 16p13.3.
Variant type: single nucleotide variant.
Coding change: c.1287T>A on transcript NM_019109.5 (MANE Select); coding-DNA position 1287, T replaced by A.
Protein change: p.Asp429Glu; replaces aspartic acid 429 with glutamic acid.
Molecular consequence: missense variant. On other transcripts: 3 prime UTR variant (3).
Genome position (GRCh38, 1-based): chr16:5,084,773, T>A. VCF-style: chr16-5084773-T-A. GRCh37 (hg19) VCF-style: chr16-5134774-T-A.
Other names: c.*859A>T (NM_001289029.2, NM_201400.4, NM_201598.4); c.954T>A, p.Asp318Glu (NM_001330504.2); short protein forms D318E.
Identifiers: ClinVar variation 194258 (VCV000194258.15), dbSNP rs9745522, ClinGen allele CA201068.

ClinVar aggregate classification (germline): Benign. Review status: criteria provided, multiple submitters, no conflicts (2 of 4 stars). 5 submissions from 5 submitters: Benign (5). Last evaluated 2026-02-04.

Conditions:
ALG1-congenital disorder of glycosylation. Also called: ALG1-CDG; CDG Ik; CONGENITAL DISORDER OF GLYCOSYLATION, TYPE Ik. Identifiers: Orphanet 79327, MedGen C2931005, MONDO:0012052, OMIM 608540.

Allele frequency attached by ClinVar (database versions not stated): gnomAD exomes 0.10347 and 0.11567; ESP Exome Variant Server 0.11365; ExAC 0.11741; gnomAD 0.11789 and 0.11800; TOPMed 0.12049; 1000 Genomes Project 0.12700; 1000 Genomes Project 30x 0.12992.
gnomAD v4.1: 167,349 of 1,595,586 alleles (10%); highest among the groups gnomAD compares: Admixed American, 16%; 8,236 homozygotes.

Submissions (5):

Labcorp Genetics (formerly Invitae), Labcorp
Classification: Benign for ALG1-congenital disorder of glycosylation. Last evaluated: 2026-02-04. Review status: criteria provided, single submitter. Criteria: Invitae Variant Classification Sherloc (09022015). Collection method: clinical testing. Allele origin: germline.

Mayo Clinic Laboratories, Mayo Clinic
Classification: Benign. Last evaluated: 2022-03-09. Review status: criteria provided, single submitter. Criteria: ACMG Guidelines, 2015. Collection method: clinical testing. Allele origin: germline. Observed: 79 variant alleles.

Eurofins Ntd Llc (ga)
Classification: Benign. Last evaluated: 2018-03-16. Review status: criteria provided, single submitter. Criteria: EGL ClinVar v180209 classification definitions. Collection method: clinical testing. Allele origin: germline. Observed: 14 variant alleles, 13 heterozygotes, 1 homozygote.

GeneDx
Classification: Benign. Last evaluated: 2015-12-02. Review status: criteria provided, single submitter. Criteria: GeneDx Variant Classification (06012015). Collection method: clinical testing. Allele origin: germline. Affected: yes.
Comment: This variant is considered likely benign or benign based on one or more of the following criteria: it is a conservative change, it occurs at a poorly conserved position in the protein, it is predicted to be benign by multiple in silico algorithms, and/or has population frequency not consistent with disease.

Breakthrough Genomics
Classification: Benign. Review status: criteria provided, single submitter. Criteria: ACMG Guidelines, 2015. Collection method: not provided. Allele origin: germline. Inheritance: Autosomal recessive inheritance. Affected: yes.